The following is an entry in ClinVar:

NM_001040108.2(MLH3):c.1299A>C (p.Lys433Asn)

Gene: MLH3 (mutL homolog 3; minus strand). Cytogenetic location: 14q24.3.
Variant type: single nucleotide variant.
Coding change: c.1299A>C on transcript NM_001040108.2 (MANE Select); coding-DNA position 1299, A replaced by C.
Protein change: p.Lys433Asn; replaces lysine 433 with asparagine.
Molecular consequence: missense variant.
Genome position (GRCh38, 1-based): chr14:75,048,357, T>G on the plus strand (A>C on the coding strand, the complement: MLH3 is on the minus strand). VCF-style: chr14-75048357-T-G. GRCh37 (hg19) VCF-style: chr14-75515060-T-G.
Other names: c.1299A>C, p.Lys433Asn (NM_014381.3); short protein forms K433N.
Identifiers: ClinVar variation 1769278 (VCV001769278.5), dbSNP rs2503299140, ClinGen allele CA390446572.

ClinVar aggregate classification (germline): Uncertain significance. Review status: criteria provided, multiple submitters, no conflicts (2 of 4 stars). 2 submissions from 2 submitters: Uncertain significance (2). Last evaluated 2025-10-14.

Conditions:
Colorectal cancer, hereditary nonpolyposis, type 7. Identifiers: Orphanet 144, MedGen C1858380, MONDO:0013725, OMIM 614385.

Submissions (2):

Ambry Genetics
Classification: Uncertain significance. Last evaluated: 2025-10-14. Review status: criteria provided, single submitter. Criteria: Ambry Variant Classification Scheme 2023. Collection method: clinical testing. Allele origin: germline.
Comment: The p.K433N variant (also known as c.1299A>C), located in coding exon 1 of the MLH3 gene, results from an A to C substitution at nucleotide position 1299. The lysine at codon 433 is replaced by asparagine, an amino acid with similar properties. This amino acid position is conserved. In addition, this alteration is predicted to be tolerated by in silico analysis. Since supporting evidence is limited at this time, the clinical significance of this alteration remains unclear.

Labcorp Genetics (formerly Invitae), Labcorp
Classification: Uncertain significance for Colorectal cancer, hereditary nonpolyposis, type 7. Last evaluated: 2025-02-04. Review status: criteria provided, single submitter. Criteria: Invitae Variant Classification Sherloc (09022015). Collection method: clinical testing. Allele origin: germline.
Comment: This sequence change replaces lysine, which is basic and polar, with asparagine, which is neutral and polar, at codon 433 of the MLH3 protein (p.Lys433Asn). This variant is not present in population databases (gnomAD no frequency). This variant has not been reported in the literature in individuals affected with MLH3-related conditions. ClinVar contains an entry for this variant (Variation ID: 1769278). An algorithm developed to predict the effect of missense changes on protein structure and function (PolyPhen-2) suggests that this variant is likely to be tolerated. In summary, the available evidence is currently insufficient to determine the role of this variant in disease. Therefore, it has been classified as a Variant of Uncertain Significance.